The following is an entry in ClinVar:

NM_001276277.3(PPIP5K2):c.3616C>A (p.Pro1206Thr)

Gene: PPIP5K2 (diphosphoinositol pentakisphosphate kinase 2; plus strand). Cytogenetic location: 5q21.1.
Variant type: single nucleotide variant.
Coding change: c.3616C>A on transcript NM_001276277.3 (MANE Select); coding-DNA position 3616, C replaced by A.
Protein change: p.Pro1206Thr; replaces proline 1206 with threonine.
Molecular consequence: missense variant.
Genome position (GRCh38, 1-based): chr5:103,195,022, C>A. VCF-style: chr5-103195022-C-A. GRCh37 (hg19) VCF-style: chr5-102530723-C-A.
Other names: c.3721C>A, p.Pro1241Thr (NM_001281471.3); c.3442C>A, p.Pro1148Thr (NM_001345871.2); c.3487C>A, p.Pro1163Thr (NM_001345872.2); c.3613C>A, p.Pro1205Thr (NM_001345873.2); c.3379C>A, p.Pro1127Thr (NM_001345874.2); c.3259C>A, p.Pro1087Thr (NM_001345875.2); c.3433C>A, p.Pro1145Thr (NM_001345876.2); c.3256C>A, p.Pro1086Thr (NM_001345877.2); and 2 more; short protein forms P1086T, P1087T, P1127T, P1144T, P1145T, P1148T, P1163T, P1185T.
Identifiers: ClinVar variation 3037969 (VCV003037969.1), dbSNP rs2536919120, ClinGen allele CA360595977.

ClinVar aggregate classification (germline): Benign (1 of 4 stars; one submission).

Conditions:
PPIP5K2-related disorder. Also called: PPIP5K2-related condition.

Submission:

PreventionGenetics, part of Exact Sciences
Classification: Benign for PPIP5K2-related condition. Last evaluated: 2019-12-23. Review status: criteria provided, single submitter. Criteria: ACMG Guidelines, 2015. Collection method: clinical testing. Allele origin: germline.
Comment: This variant is classified as benign based on ACMG/AMP sequence variant interpretation guidelines (Richards et al. 2015 PMID: 25741868, with internal and published modifications).